The following is an entry in ClinVar:

NM_001999.4(FBN2):c.220G>A (p.Val74Ile)

Gene: FBN2 (fibrillin 2; minus strand). Cytogenetic location: 5q23.3.
Variant type: single nucleotide variant.
Coding change: c.220G>A on transcript NM_001999.4 (MANE Select); coding-DNA position 220, G replaced by A.
Protein change: p.Val74Ile; replaces valine 74 with isoleucine.
Molecular consequence: missense variant.
Genome position (GRCh38, 1-based): chr5:128,537,384, C>T on the plus strand (G>A on the coding strand, the complement: FBN2 is on the minus strand). VCF-style: chr5-128537384-C-T. GRCh37 (hg19) VCF-style: chr5-127873077-C-T.
Other names: short protein forms V74I.
Identifiers: ClinVar variation 1020508 (VCV001020508.20), dbSNP rs779812100, ClinGen allele CA3396201.
Genomic context (GRCh38, chr5:128,537,384, plus strand): 5'-AGGTGCGGAGCCGCTTGCCCACTTACCCTCGGAGCACGTCCTGCTGTCCTCGCCGGCGGA[C>T]GCGGCTGGCCACTGCGGCACCCTCCTCGCGATACTCGGGCGCTAGAAACCCGCCTTCAGA-3'
Protein context (NP_001990.2, residues 64-84): REEGAAVASR[Val74Ile]RRRGQQDVLR

ClinVar aggregate classification (germline): Conflicting classifications of pathogenicity. Review status: criteria provided, conflicting classifications (1 of 4 stars). 4 submissions from 4 submitters: Uncertain significance (2); Likely benign (2). Last evaluated 2025-12-15.

Conditions:
Familial thoracic aortic aneurysm and aortic dissection (TAAD). Also called: Thoracic aortic aneurysms and dissections. Identifiers: Orphanet 91387, MedGen C4707243, MONDO:0019625.
Congenital contractural arachnodactyly (CCA). Also called: BEALS SYNDROME; Beals-Hecht syndrome; Arthrogryposis, distal, type 9. Identifiers: Orphanet 115, MedGen C0220668, MONDO:0007363, OMIM 121050.

Allele frequency attached by ClinVar (database versions not stated): gnomAD 0.00001; TOPMed 0.00002; gnomAD exomes 0.00006; ExAC 0.00008.
gnomAD v4.1: 67 of 1,610,262 alleles (0.0042%); highest among the groups gnomAD compares: Middle Eastern, 0.033%; no homozygotes.

Submissions (4):

Labcorp Genetics (formerly Invitae), Labcorp
Classification: Likely benign for Congenital contractural arachnodactyly. Last evaluated: 2025-12-15. Review status: criteria provided, single submitter. Criteria: Invitae Variant Classification Sherloc (09022015). Collection method: clinical testing. Allele origin: germline.

Ambry Genetics
Classification: Uncertain significance for Familial thoracic aortic aneurysm and aortic dissection. Last evaluated: 2025-08-29. Review status: criteria provided, single submitter. Criteria: Ambry Variant Classification Scheme 2023. Collection method: clinical testing. Allele origin: germline.
Comment: The p.V74I variant (also known as c.220G>A), located in coding exon 1 of the FBN2 gene, results from a G to A substitution at nucleotide position 220. The valine at codon 74 is replaced by isoleucine, an amino acid with highly similar properties. This amino acid position is well conserved in available vertebrate species. In addition, this alteration is predicted to be tolerated by in silico analysis. Based on the available evidence, the clinical significance of this variant remains unclear.

CeGaT Center for Human Genetics Tuebingen
Classification: Likely benign. Last evaluated: 2025-07-01. Review status: criteria provided, single submitter. Criteria: CeGaT Center For Human Genetics Tuebingen Variant Classification Criteria Version 2. Collection method: clinical testing. Allele origin: germline. Affected: yes. Observed: 1 variant allele.
Comment: FBN2: BS2

GeneDx
Classification: Uncertain significance. Last evaluated: 2022-12-21. Review status: criteria provided, single submitter. Criteria: GeneDx Variant Classification Process June 2021. Collection method: clinical testing. Allele origin: germline.
Comment: In silico analysis supports that this missense variant does not alter protein structure/function; Has not been previously published as pathogenic or benign to our knowledge; Does not occur within a calcium-binding-EGF-like domain (Callewaert et al., 2008, Frederic et al., 2009); This variant is associated with the following publications: (PMID: 19006240, 18767143)